The following is an entry in ClinVar:

NM_000390.4(CHM):c.49+5G>A

Gene: CHM (CHM Rab escort protein; minus strand). Cytogenetic location: Xq21.2.
Variant type: single nucleotide variant.
Coding change: c.49+5G>A on transcript NM_000390.4 (MANE Select); 5 bases into the intron after coding-DNA position 49, G replaced by A.
Molecular consequence: intron variant.
Genome position (GRCh38, 1-based): chrX:86,047,479, C>T on the plus strand (G>A on the coding strand, the complement: CHM is on the minus strand). VCF-style: chrX-86047479-C-T. GRCh37 (hg19) VCF-style: chrX-85302483-C-T.
Other names: c.49+5G>A (LRG_699t1, NM_001145414.4).
Identifiers: ClinVar variation 382857 (VCV000382857.43), dbSNP rs1057521475, ClinGen allele CA16608998.

ClinVar aggregate classification (germline): Pathogenic/Likely pathogenic. Review status: criteria provided, multiple submitters, no conflicts (2 of 4 stars). 3 submissions from 3 submitters: Pathogenic (2); Likely pathogenic (1). Last evaluated 2019-08-01.

Conditions:
Retinal dystrophy. Also called: Inherited retinal dystrophy. Identifiers: Orphanet 71862, MedGen C0854723, MeSH D058499, MONDO:0019118, HP:0000556.

Submissions (3):

CeGaT Center for Human Genetics Tuebingen
Classification: Pathogenic. Last evaluated: 2019-08-01. Review status: criteria provided, single submitter. Criteria: CeGaT Center For Human Genetics Tuebingen Variant Classification Criteria Version 2. Collection method: clinical testing. Allele origin: germline. Affected: yes. Observed: 1 variant allele.

GeneDx
Classification: Likely pathogenic. Last evaluated: 2016-08-26. Review status: criteria provided, single submitter. Criteria: GeneDx Variant Classification (06012015). Collection method: clinical testing. Allele origin: germline. Affected: yes.
Comment: The c.49+5 G>A variant has not been published as a pathogenic variant, nor has it been reported as a benign variant to our knowledge. The c.49+5 G>A variant was not observed in approximately 6,500 individuals of European and African American ancestry in the NHLBI Exome Sequencing Project, indicating it is not a common benign variant in these populations. Several in-silico splice prediction models predict that c.49+5 G>A damages the natural splice donor site which may lead to abnormal gene splicing. However, in the absence of RNA/functional studies, the actual effect of this sequence change is unknown. Therefore, this variant is likely pathogenic.

Institute of Human Genetics, Univ. Regensburg, Univ. Regensburg
Classification: Pathogenic for Retinal dystrophy. Last evaluated: 2008-01-01. Review status: criteria provided, single submitter. Criteria: ACMG Guidelines, 2015. Collection method: clinical testing. Allele origin: germline. Affected: yes.

Literature cited by the submitters: PubMed 32985515 (cited by Institute of Human Genetics, Univ. Regensburg, Univ. Regensburg); PubMed 3646071 (cited by Institute of Human Genetics, Univ. Regensburg, Univ. Regensburg).